The following is an entry in ClinVar:

ClinVar aggregate classification (germline): Uncertain significance. Review status: criteria provided, multiple submitters, no conflicts (2 of 4 stars). 3 submissions from 3 submitters: Uncertain significance (3). Last evaluated 2022-10-24.

Conditions:
Bardet-Biedl syndrome (BBS). Identifiers: Orphanet 110, MedGen C0752166, MONDO:0015229.
Bardet-Biedl syndrome 5 (BBS5). Identifiers: Orphanet 110, MedGen C3892039, MONDO:0014434, OMIM 615983.
BBS5-related disorder. Also called: BBS5-related condition.

Allele frequency attached by ClinVar (database versions not stated): gnomAD exomes below 0.00001 and 0.00001; gnomAD 0.00001; TOPMed 0.00001.
gnomAD v4.1: 11 of 1,610,304 alleles (0.00068%); highest among the groups gnomAD compares: South Asian, 0.0011%; no homozygotes.

Submissions (3):

PreventionGenetics, part of Exact Sciences
Classification: Uncertain significance for BBS5-related condition. Last evaluated: 2022-10-24. Review status: criteria provided, single submitter. Criteria: ACMG Guidelines, 2015. Collection method: clinical testing. Allele origin: germline.
Comment: The BBS5 c.92T>C variant is predicted to result in the amino acid substitution p.Ile31Thr. To our knowledge, this variant has not been reported in the literature. This variant is reported in 0.0023% of alleles in individuals of European (Non-Finnish) descent in gnomAD. At this time, the clinical significance of this variant is uncertain due to the absence of conclusive functional and genetic evidence.

Labcorp Genetics (formerly Invitae), Labcorp
Classification: Uncertain significance for Bardet-Biedl syndrome. Last evaluated: 2022-07-25. Review status: criteria provided, single submitter. Criteria: Invitae Variant Classification Sherloc (09022015). Collection method: clinical testing. Allele origin: germline.
Comment: This sequence change replaces isoleucine, which is neutral and non-polar, with threonine, which is neutral and polar, at codon 31 of the BBS5 protein (p.Ile31Thr). This variant is present in population databases (no rsID available, gnomAD 0.002%). This variant has not been reported in the literature in individuals affected with BBS5-related conditions. ClinVar contains an entry for this variant (Variation ID: 858646). Algorithms developed to predict the effect of missense changes on protein structure and function (SIFT, PolyPhen-2, Align-GVGD) all suggest that this variant is likely to be disruptive. In summary, the available evidence is currently insufficient to determine the role of this variant in disease. Therefore, it has been classified as a Variant of Uncertain Significance.

Fulgent Genetics
Classification: Uncertain significance for Bardet-Biedl syndrome 5. Last evaluated: 2022-03-13. Review status: criteria provided, single submitter. Criteria: ACMG Guidelines, 2015. Collection method: clinical testing. Allele origin: unknown.

NM_152384.3(BBS5):c.92T>C (p.Ile31Thr)

Gene: BBS5 (Bardet-Biedl syndrome 5; plus strand). Cytogenetic location: 2q31.1.
Variant type: single nucleotide variant.
Coding change: c.92T>C on transcript NM_152384.3 (MANE Select); coding-DNA position 92, T replaced by C.
Protein change: p.Ile31Thr; replaces isoleucine 31 with threonine.
Molecular consequence: missense variant.
Genome position (GRCh38, 1-based): chr2:169,482,283, T>C. VCF-style: chr2-169482283-T-C. GRCh37 (hg19) VCF-style: chr2-170338793-T-C.
Other names: short protein forms I31T.
Identifiers: ClinVar variation 858646 (VCV000858646.10), dbSNP rs1395749164, ClinGen allele CA349159844.